The following is an entry in ClinVar:

NM_181426.2(CCDC39):c.787A>G (p.Lys263Glu)

Gene: CCDC39 (coiled-coil domain 39 molecular ruler complex subunit; minus strand). Cytogenetic location: 3q26.33.
Variant type: single nucleotide variant.
Coding change: c.787A>G on transcript NM_181426.2 (MANE Select); coding-DNA position 787, A replaced by G.
Protein change: p.Lys263Glu; replaces lysine 263 with glutamic acid.
Molecular consequence: missense variant.
Genome position (GRCh38, 1-based): chr3:180,654,905, T>C on the plus strand (A>G on the coding strand, the complement: CCDC39 is on the minus strand). VCF-style: chr3-180654905-T-C. GRCh37 (hg19) VCF-style: chr3-180372693-T-C.
Other names: short protein forms K263E.
Identifiers: ClinVar variation 3828620 (VCV003828620.1).

ClinVar aggregate classification (germline): Uncertain significance (1 of 4 stars; one submission).

Conditions:
Primary ciliary dyskinesia. Also called: Ciliary dyskinesia. Identifiers: Orphanet 244, MedGen C0008780, MONDO:0016575, HP:0012265.

gnomAD v4.1: 7 of 1,589,942 alleles (0.00044%); highest among the groups gnomAD compares: Admixed American, 0.0054%; no homozygotes.

Submission:

Ambry Genetics
Classification: Uncertain significance for Primary ciliary dyskinesia. Last evaluated: 2024-12-28. Review status: criteria provided, single submitter. Criteria: Ambry Variant Classification Scheme 2023. Collection method: clinical testing. Allele origin: germline.
Comment: The p.K263E variant (also known as c.787A>G), located in coding exon 7 of the CCDC39 gene, results from an A to G substitution at nucleotide position 787. The lysine at codon 263 is replaced by glutamic acid, an amino acid with similar properties. This amino acid position is conserved. In addition, this alteration is predicted to be tolerated by in silico analysis. Based on the available evidence, the clinical significance of this variant remains unclear.